The following is an entry in ClinVar:

NM_001348768.2(HECW2):c.2215C>T (p.Arg739Trp)

Gene: HECW2 (HECT, C2 and WW domain containing E3 ubiquitin protein ligase 2; minus strand). Cytogenetic location: 2q32.3.
Variant type: single nucleotide variant.
Coding change: c.2215C>T on transcript NM_001348768.2 (MANE Select); coding-DNA position 2215, C replaced by T.
Protein change: p.Arg739Trp; replaces arginine 739 with tryptophan.
Molecular consequence: missense variant.
Genome position (GRCh38, 1-based): chr2:196,318,675, G>A on the plus strand (C>T on the coding strand, the complement: HECW2 is on the minus strand). VCF-style: chr2-196318675-G-A. GRCh37 (hg19) VCF-style: chr2-197183399-G-A.
Other names: c.1147C>T, p.Arg383Trp (NM_001304840.3); c.2215C>T, p.Arg739Trp (NM_020760.4); c.2215C>T (NM_020760.2); short protein forms R739W, R383W.
Identifiers: ClinVar variation 2603683 (VCV002603683.3), dbSNP rs781780695, ClinGen allele CA2038167.

ClinVar aggregate classification (germline): Likely benign. Review status: criteria provided, single submitter (1 of 4 stars). 2 submissions from 2 submitters: Likely benign (1). 1 of the submissions does not count toward it. Last evaluated 2023-07-12.

Conditions:
Inborn genetic diseases. Identifiers: MedGen C0950123, MeSH D030342.
HECW2-related disorder. Also called: HECW2-related condition.

Allele frequency attached by ClinVar (database versions not stated): gnomAD 0.00004; ExAC 0.00005; TOPMed 0.00005.
gnomAD v4.1: 48 of 1,596,902 alleles (0.003%); highest among the groups gnomAD compares: Middle Eastern, 0.017%; no homozygotes.

Submissions (2):

Ambry Genetics
Classification: Likely benign for Inborn genetic diseases. Last evaluated: 2023-07-12. Review status: criteria provided, single submitter. Criteria: Ambry Variant Classification Scheme 2023. Collection method: clinical testing. Allele origin: germline.

PreventionGenetics, part of Exact Sciences
Classification: Likely benign for HECW2-related condition. Last evaluated: 2024-04-08. Review status: no assertion criteria provided. Collection method: clinical testing. Allele origin: germline. Not counted in ClinVar's aggregate classification.
Comment: This variant is classified as likely benign based on ACMG/AMP sequence variant interpretation guidelines (Richards et al. 2015 PMID: 25741868, with internal and published modifications).